The following is an entry in ClinVar:

ClinVar aggregate classification (germline): Uncertain significance (1 of 4 stars; one submission).

Submission:

GeneDx
Classification: Uncertain significance. Last evaluated: 2024-07-11. Review status: criteria provided, single submitter. Criteria: GeneDx Variant Classification Process June 2021. Collection method: clinical testing. Allele origin: germline. Affected: yes.
Comment: Not observed at significant frequency in large population cohorts (gnomAD); In silico analysis supports that this missense variant has a deleterious effect on protein structure/function; Has not been previously published as pathogenic or benign to our knowledge

NM_002860.4(ALDH18A1):c.2312T>G (p.Val771Gly)

Gene: ALDH18A1 (aldehyde dehydrogenase 18 family member A1; minus strand). Cytogenetic location: 10q24.1.
Variant type: single nucleotide variant.
Coding change: c.2312T>G on transcript NM_002860.4 (MANE Select); coding-DNA position 2312, T replaced by G.
Protein change: p.Val771Gly; replaces valine 771 with glycine.
Molecular consequence: missense variant.
Genome position (GRCh38, 1-based): chr10:95,606,838, A>C on the plus strand (T>G on the coding strand, the complement: ALDH18A1 is on the minus strand). VCF-style: chr10-95606838-A-C. GRCh37 (hg19) VCF-style: chr10-97366595-A-C.
Other names: c.2306T>G, p.Val769Gly (NM_001017423.2, NM_001323415.2); c.1979T>G, p.Val660Gly (NM_001323412.2, NM_001323416.2); c.2312T>G, p.Val771Gly (NM_001323413.2, NM_001323414.2); c.2207T>G, p.Val736Gly (NM_001323417.2); c.1973T>G, p.Val658Gly (NM_001323418.2); c.1676T>G, p.Val559Gly (NM_001323419.2); short protein forms V769G, V559G, V736G, V658G, V660G, V771G.
Identifiers: ClinVar variation 3572523 (VCV003572523.1).